The following is an entry in ClinVar:

ClinVar aggregate classification (germline): Uncertain significance (1 of 4 stars; one submission).

Conditions:
Hereditary nonpolyposis colorectal neoplasms. Identifiers: MedGen C0009405, MeSH D003123.

Submission:

Labcorp Genetics (formerly Invitae), Labcorp
Classification: Uncertain significance for Hereditary nonpolyposis colorectal neoplasms. Last evaluated: 2023-02-26. Review status: criteria provided, single submitter. Criteria: Invitae Variant Classification Sherloc (09022015). Collection method: clinical testing. Allele origin: germline.
Comment: The frequency data for this variant in the population databases (gnomAD) is considered unreliable due to the presence of homologous sequence, such as pseudogenes or paralogs, in the genome. This sequence change replaces valine, which is neutral and non-polar, with leucine, which is neutral and non-polar, at codon 717 of the PMS2 protein (p.Val717Leu). This variant has not been reported in the literature in individuals affected with PMS2-related conditions. In summary, the available evidence is currently insufficient to determine the role of this variant in disease. Therefore, it has been classified as a Variant of Uncertain Significance. Advanced modeling of protein sequence and biophysical properties (such as structural, functional, and spatial information, amino acid conservation, physicochemical variation, residue mobility, and thermodynamic stability) performed at Invitae indicates that this missense variant is expected to disrupt PMS2 protein function.

NM_000535.7(PMS2):c.2149G>C (p.Val717Leu)

Gene: PMS2 (PMS1 homolog 2, mismatch repair system component; minus strand). Cytogenetic location: 7p22.1.
Variant type: single nucleotide variant.
Coding change: c.2149G>C on transcript NM_000535.7 (MANE Select); coding-DNA position 2149, G replaced by C.
Protein change: p.Val717Leu; replaces valine 717 with leucine.
Molecular consequence: missense variant. On other transcripts: non-coding transcript variant (1), intron variant (4).
Genome position (GRCh38, 1-based): chr7:5,982,849, C>G on the plus strand (G>C on the coding strand, the complement: PMS2 is on the minus strand). VCF-style: chr7-5982849-C-G. GRCh37 (hg19) VCF-style: chr7-6022480-C-G.
Other names: c.1993G>C, p.Val665Leu (NM_001322006.2, NM_001406870.1); c.1831G>C, p.Val611Leu (NM_001322007.2, NM_001322008.2, NM_001406883.1 and 1 more transcripts); c.1744G>C, p.Val582Leu (NM_001322009.2, NM_001406896.1, NM_001406897.1 and 15 more transcripts); c.1588G>C, p.Val530Leu (NM_001322010.2, NM_001406906.1, NM_001406907.1); c.1216G>C, p.Val406Leu (NM_001322011.2, NM_001322012.2); c.1576G>C, p.Val526Leu (NM_001322013.2, NM_001406909.1); c.2149G>C, p.Val717Leu (NM_001322014.2, NM_001406871.1); c.1840G>C, p.Val614Leu (NM_001406877.1, NM_001406878.1, NM_001406879.1 and 5 more transcripts); and 16 more; short protein forms V316L, V406L, V526L, V546L, V562L, V595L, V609L, V651L.
Identifiers: ClinVar variation 2841059 (VCV002841059.3), dbSNP rs201671325, ClinGen allele CA366737887.